The following is an entry in ClinVar:

ClinVar aggregate classification (germline): Uncertain significance (1 of 4 stars; one submission).

gnomAD v4.1: 2 of 1,613,662 alleles (0.00012%); highest among the groups gnomAD compares: Non-Finnish European, 0.00017%; no homozygotes.

Submission:

Labcorp Genetics (formerly Invitae), Labcorp
Classification: Uncertain significance. Last evaluated: 2025-10-05. Review status: criteria provided, single submitter. Criteria: Invitae Variant Classification Sherloc (09022015). Collection method: clinical testing. Allele origin: germline.
Comment: This sequence change replaces lysine, which is basic and polar, with glutamic acid, which is acidic and polar, at codon 802 of the LZTR1 protein (p.Lys802Glu). This variant is not present in population databases (gnomAD no frequency). This variant has not been reported in the literature in individuals affected with LZTR1-related conditions. An algorithm developed to predict the effect of missense changes on protein structure and function (PolyPhen-2) suggests that this variant is likely to be tolerated. In summary, the available evidence is currently insufficient to determine the role of this variant in disease. Therefore, it has been classified as a Variant of Uncertain Significance.

NM_006767.4(LZTR1):c.2404A>G (p.Lys802Glu)

Gene: LZTR1 (leucine zipper like post translational regulator 1; plus strand). Cytogenetic location: 22q11.21.
Variant type: single nucleotide variant.
Coding change: c.2404A>G on transcript NM_006767.4 (MANE Select); coding-DNA position 2404, A replaced by G.
Protein change: p.Lys802Glu; replaces lysine 802 with glutamic acid.
Molecular consequence: missense variant.
Genome position (GRCh38, 1-based): chr22:20,996,964, A>G. VCF-style: chr22-20996964-A-G. GRCh37 (hg19) VCF-style: chr22-21351253-A-G.
Other names: short protein forms K802E.
Identifiers: ClinVar variation 4706211 (VCV004706211.1).
Genomic context (GRCh38, chr22:20,996,964, plus strand): 5'-AAAACGCAGGCACTGGACATGAAGCGGCACTGCCTGCACATCATTGTGCACCAGTTCACC[A>G]AGGTCAGGGCTCTGGCCTCCCCTTCAGGACTCGCTTCCCCTTGGCAGTGGCCATGCCCAG-3'
Protein context (NP_006758.2, residues 792-812): CLHIIVHQFT[Lys802Glu]VSKLPTLRSL